The following is an entry in ClinVar:

NM_000435.3(NOTCH3):c.2588C>T (p.Ser863Leu)

Gene: NOTCH3 (notch receptor 3; minus strand). Cytogenetic location: 19p13.12.
Variant type: single nucleotide variant.
Coding change: c.2588C>T on transcript NM_000435.3 (MANE Select); coding-DNA position 2588, C replaced by T.
Protein change: p.Ser863Leu; replaces serine 863 with leucine.
Molecular consequence: missense variant.
Genome position (GRCh38, 1-based): chr19:15,181,780, G>A on the plus strand (C>T on the coding strand, the complement: NOTCH3 is on the minus strand). VCF-style: chr19-15181780-G-A. GRCh37 (hg19) VCF-style: chr19-15292591-G-A.
Other names: short protein forms S863L.
Identifiers: ClinVar variation 328404 (VCV000328404.26), dbSNP rs758913191, ClinGen allele CA9263320.

ClinVar aggregate classification (germline): Uncertain significance. Review status: criteria provided, multiple submitters, no conflicts (2 of 4 stars). 3 submissions from 3 submitters: Uncertain significance (3). Last evaluated 2024-12-23.

Conditions:
Cerebral arteriopathy, autosomal dominant, with subcortical infarcts and leukoencephalopathy, type 1 (CADASIL1). Also called: CADASIL 1; Cerebral arteriopathy with subcortical infarcts and leukoencephalopathy 1; CASIL; DEMENTIA, HEREDITARY MULTIINFARCT TYPE. Identifiers: Orphanet 136, MedGen C4551768, MONDO:0000914, OMIM 125310.

Allele frequency attached by ClinVar (database versions not stated): gnomAD exomes 0.00001; gnomAD 0.00003; TOPMed 0.00003; ExAC 0.00004.
gnomAD v4.1: 17 of 1,562,388 alleles (0.0011%); highest among the groups gnomAD compares: African/African-American, 0.0041%; no homozygotes.

Submissions (3):

Athena Diagnostics
Classification: Uncertain significance. Last evaluated: 2024-12-23. Review status: criteria provided, single submitter. Criteria: Athena Diagnostics Criteria. Collection method: clinical testing. Allele origin: unknown.
Comment: Available data are insufficient to determine the clinical significance of the variant at this time. The frequency of this variant in the general population is uninformative in assessment of its pathogenicity. Polyphen and MutationTaster yielded discordant predictions regarding whether this amino acid change is damaging to the protein. Greater than 90% of NOTCH3 pathogenic variants associated with CADASIL involve the gain or loss of a cysteine residue within the epidermal growth factor (EGF)-like repeat domain (PMID: 32457593, 20301673).

Illumina Laboratory Services, Illumina
Classification: Uncertain significance for Cerebral arteriopathy, autosomal dominant, with subcortical infarcts and leukoencephalopathy, type 1. Last evaluated: 2018-01-12. Review status: criteria provided, single submitter. Criteria: ICSL Variant Classification Criteria 13 December 2019. Collection method: clinical testing. Allele origin: germline.

CeGaT Center for Human Genetics Tuebingen
Classification: Uncertain significance. Last evaluated: 2017-12-01. Review status: criteria provided, single submitter. Criteria: CeGaT Center For Human Genetics Tuebingen Variant Classification Criteria Version 2. Collection method: clinical testing. Allele origin: germline. Affected: yes. Observed: 1 variant allele.